The following is an entry in ClinVar:

ClinVar aggregate classification (germline): Pathogenic (1 of 4 stars; one submission).

Conditions:
3-Methylglutaconic aciduria type 2 (BTHS). Also called: Barth syndrome; CARDIOSKELETAL MYOPATHY WITH NEUTROPENIA AND ABNORMAL MITOCHONDRIA. Identifiers: Orphanet 111, MedGen C0574083, MONDO:0010543, OMIM 302060.

Submission:

Laboratory for Molecular Medicine, Mass General Brigham Personalized Medicine
Classification: Pathogenic for 3-Methylglutaconic aciduria type 2. Last evaluated: 2017-05-18. Review status: criteria provided, single submitter. Criteria: LMM Criteria. Collection method: clinical testing. Allele origin: germline. Observed: 4 variant alleles.
Comment: The c.700-1G>A variant in TAZ has been previously reported in one individual wit h a diagnosis and family history of Barth Syndrome (Rigaud 2013). It has also be en identified by our laboratory in the hemizygous state in 2 individuals with cl inical features of Barth Syndrome. This variant occurs in the invariant region ( +/- 1,2) of the splice consensus sequence and is expected to cause altered splic ing, leading to an abnormal or absent protein. Loss of TAZ gene function is an e stablished mechanism for Barth syndrome. In summary, the c.700-1G>A variant meet s criteria to be classified as pathogenic based its presence in multiple affecte d individuals with specific clinical features, extremely low frequency in the ge neral population, and the predicted impact of splicing defect on the protein.

Literature cited by the submitters: PubMed 23656970.

NM_000116.5(TAFAZZIN):c.700-1G>A

Gene: TAFAZZIN (tafazzin, phospholipid-lysophospholipid transacylase; plus strand). Cytogenetic location: Xq28.
Variant type: single nucleotide variant.
Coding change: c.700-1G>A on transcript NM_000116.5 (MANE Select); the canonical splice acceptor site of the intron before coding-DNA position 700, G replaced by A.
Molecular consequence: splice acceptor variant.
Genome position (GRCh38, 1-based): chrX:154,420,657, G>A. VCF-style: chrX-154420657-G-A. GRCh37 (hg19) VCF-style: chrX-153648996-G-A.
Other names: c.712-1G>A (NM_001303465.2); c.664-1G>A (NM_001410698.1); c.658-1G>A (NM_181312.4); c.610-1G>A (NM_181311.4); c.568-1G>A (NM_181313.4).
Identifiers: ClinVar variation 42265 (VCV000042265.5), dbSNP rs397515747, ClinGen allele CA261288.
Genomic context (GRCh38, chrX:154,420,657, plus strand): 5'-CTTGGGCTGGGGCTGTGGGCACTCCTACTGCTCCTCATCACTCTTGGCGGCCACCCCACA[G>A]AAAATCACTGTGCTGATCGGGAAGCCCTTCAGTGCCCTGCCTGTACTCGAGCGGCTCCGG-3'